The following is an entry in ClinVar:

ClinVar aggregate classification (germline): Likely benign. Review status: criteria provided, multiple submitters, no conflicts (2 of 4 stars). 3 submissions from 3 submitters: Likely benign (2). 1 of the submissions does not count toward it. Last evaluated 2021-12-20.

Conditions:
DLC1-related disorder. Also called: DLC1-related condition.
Colorectal cancer. Also called: Colorectal cancer, somatic; Malignant Colorectal Neoplasm. Identifiers: MedGen C0346629, MONDO:0005575, OMIM 114500.

Allele frequency attached by ClinVar (database versions not stated): gnomAD 0.00001; gnomAD exomes 0.00002 and 0.00005; TOPMed 0.00002; ExAC 0.00005.
gnomAD v4.1: 46 of 1,614,102 alleles (0.0028%); highest among the groups gnomAD compares: Admixed American, 0.0067%; no homozygotes.

Submissions (3):

Fulgent Genetics
Classification: Likely benign for Colorectal cancer. Last evaluated: 2021-12-20. Review status: criteria provided, single submitter. Criteria: ACMG Guidelines, 2015. Collection method: clinical testing. Allele origin: unknown.

Labcorp Genetics (formerly Invitae), Labcorp
Classification: Likely benign. Last evaluated: 2018-07-16. Review status: criteria provided, single submitter. Criteria: Invitae Variant Classification Sherloc (09022015). Collection method: clinical testing. Allele origin: germline.

PreventionGenetics, part of Exact Sciences
Classification: Likely benign for DLC1-related condition. Last evaluated: 2022-11-30. Review status: no assertion criteria provided. Collection method: clinical testing. Allele origin: germline. Not counted in ClinVar's aggregate classification.
Comment: This variant is classified as likely benign based on ACMG/AMP sequence variant interpretation guidelines (Richards et al. 2015 PMID: 25741868, with internal and published modifications).

NM_182643.3(DLC1):c.3327+8C>T

Gene: DLC1 (DLC1 Rho GTPase activating protein; minus strand). Cytogenetic location: 8p22.
Variant type: single nucleotide variant.
Coding change: c.3327+8C>T on transcript NM_182643.3 (MANE Select); 8 bases into the intron after coding-DNA position 3327, C replaced by T.
Molecular consequence: intron variant.
Genome position (GRCh38, 1-based): chr8:13,095,078, G>A on the plus strand (C>T on the coding strand, the complement: DLC1 is on the minus strand). VCF-style: chr8-13095078-G-A. GRCh37 (hg19) VCF-style: chr8-12952587-G-A.
Other names: c.1794+8C>T (NM_001348082.2, NM_001348084.2, NM_001164271.2 and 1 more transcripts); c.3327+8C>T (NM_001348081.2); c.2118+8C>T (NM_001316668.2); c.2016+8C>T (NM_006094.5).
Identifiers: ClinVar variation 736557 (VCV000736557.6), dbSNP rs559854315, ClinGen allele CA4638381.